The following is an entry in ClinVar:

NM_016507.4(CDK12):c.2257G>A (p.Val753Met)

Gene: CDK12 (cyclin dependent kinase 12; plus strand). Cytogenetic location: 17q12.
Variant type: single nucleotide variant.
Coding change: c.2257G>A on transcript NM_016507.4 (MANE Select); coding-DNA position 2257, G replaced by A.
Protein change: p.Val753Met; replaces valine 753 with methionine.
Molecular consequence: missense variant.
Genome position (GRCh38, 1-based): chr17:39,494,532, G>A. VCF-style: chr17-39494532-G-A. GRCh37 (hg19) VCF-style: chr17-37650785-G-A.
Other names: c.2257G>A, p.Val753Met (NM_015083.4); short protein forms V753M.
Identifiers: ClinVar variation 4868482 (VCV004868482.1).

ClinVar aggregate classification (germline): Uncertain significance (1 of 4 stars; one submission).

Submission:

Ambry Genetics
Classification: Uncertain significance. Last evaluated: 2026-04-11. Review status: criteria provided, single submitter. Criteria: Ambry Variant Classification Scheme 2023. Collection method: clinical testing. Allele origin: germline.
Comment: The p.V753M variant (also known as c.2257G>A), located in coding exon 5 of the CDK12 gene, results from a G to A substitution at nucleotide position 2257. The valine at codon 753 is replaced by methionine, an amino acid with highly similar properties. This amino acid position is conserved. In addition, this alteration is predicted to be deleterious by in silico analysis. Based on the available evidence, the clinical significance of this variant remains unclear.